The following is an entry in ClinVar:

NM_000293.3(PHKB):c.2882A>G (p.Lys961Arg)

Gene: PHKB (phosphorylase kinase regulatory subunit beta; plus strand). Cytogenetic location: 16q12.1.
Variant type: single nucleotide variant.
Coding change: c.2882A>G on transcript NM_000293.3 (MANE Select); coding-DNA position 2882, A replaced by G.
Protein change: p.Lys961Arg; replaces lysine 961 with arginine.
Molecular consequence: missense variant.
Genome position (GRCh38, 1-based): chr16:47,693,494, A>G. VCF-style: chr16-47693494-A-G. GRCh37 (hg19) VCF-style: chr16-47727405-A-G.
Other names: c.2861A>G, p.Lys954Arg (NM_001031835.3); c.2882A>G, p.Lys961Arg (NM_001363837.1); short protein forms K961R, K954R.
Identifiers: ClinVar variation 1999594 (VCV001999594.1), dbSNP rs371541668, ClinGen allele CA396100746.

ClinVar aggregate classification (germline): Uncertain significance (1 of 4 stars; one submission).

Conditions:
Glycogen storage disease IXb (GSD9B). Also called: PHOSPHORYLASE KINASE DEFICIENCY OF LIVER AND MUSCLE, AUTOSOMAL RECESSIVE; GLYCOGENOSIS OF LIVER AND MUSCLE, AUTOSOMAL RECESSIVE; GSD IXb. Identifiers: Orphanet 79240, MedGen C0543514, MONDO:0009868, OMIM 261750.

gnomAD v4.1: 8 of 1,614,080 alleles (0.0005%); highest among the groups gnomAD compares: Non-Finnish European, 0.00068%; no homozygotes.

Submission:

Labcorp Genetics (formerly Invitae), Labcorp
Classification: Uncertain significance for Glycogen storage disease IXb. Last evaluated: 2022-07-14. Review status: criteria provided, single submitter. Criteria: Invitae Variant Classification Sherloc (09022015). Collection method: clinical testing. Allele origin: germline.
Comment: This sequence change replaces lysine, which is basic and polar, with arginine, which is basic and polar, at codon 961 of the PHKB protein (p.Lys961Arg). This variant is not present in population databases (gnomAD no frequency). This variant has not been reported in the literature in individuals affected with PHKB-related conditions. Algorithms developed to predict the effect of missense changes on protein structure and function output the following: SIFT: "Tolerated"; PolyPhen-2: "Benign"; Align-GVGD: "Class C0". The arginine amino acid residue is found in multiple mammalian species, which suggests that this missense change does not adversely affect protein function. In summary, the available evidence is currently insufficient to determine the role of this variant in disease. Therefore, it has been classified as a Variant of Uncertain Significance.